The following is an entry in ClinVar:

ClinVar aggregate classification (germline): Uncertain significance (1 of 4 stars; one submission).

Submission:

Labcorp Genetics (formerly Invitae), Labcorp
Classification: Uncertain significance. Last evaluated: 2025-10-15. Review status: criteria provided, single submitter. Criteria: Invitae Variant Classification Sherloc (09022015). Collection method: clinical testing. Allele origin: germline.
Comment: This sequence change creates a premature translational stop signal (p.Ile271Asnfs*15) in the STN1 gene. It is expected to result in an absent or disrupted protein product. However, the current clinical and genetic evidence is not sufficient to establish whether loss-of-function variants in STN1 cause disease. This variant is not present in population databases (gnomAD no frequency). This variant has not been reported in the literature in individuals affected with STN1-related conditions. ClinVar contains an entry for this variant (Variation ID: 2697180). In summary, the available evidence is currently insufficient to determine the role of this variant in disease. Therefore, it has been classified as a Variant of Uncertain Significance.

NM_024928.5(STN1):c.811dup (p.Ile271fs)

Gene: STN1 (STN1 subunit of CST complex; minus strand). Cytogenetic location: 10q24.33.
Variant type: Duplication.
Coding change: c.811dup on transcript NM_024928.5 (MANE Select); coding-DNA position 811, one base duplicated (A; older notation c.811dupA).
Protein change: p.Ile271fs; shifts the reading frame from isoleucine 271.
Molecular consequence: frameshift variant.
Genome position (GRCh38, 1-based): chr10:103,892,195, T duplicated on the plus strand (A on the coding strand, the reverse complement: STN1 is on the minus strand). VCF-style (leftmost placement, unchanged base first): chr10-103892194-A-AT. GRCh37 (hg19) VCF-style: chr10-105651952-A-AT.
Other names: short protein forms I271fs.
Identifiers: ClinVar variation 2697180 (VCV002697180.3), dbSNP rs2493027878, ClinGen allele CA2697558786.